The following is an entry in ClinVar:

NM_004036.5(ADCY3):c.1356-19CT[6]

Gene: ADCY3 (adenylate cyclase 3; minus strand). Cytogenetic location: 2p23.3.
Variant type: Microsatellite.
Coding change: c.1356-19CT[6] on transcript NM_004036.5 (MANE Select); six copies in a row of the 2-base unit CT starting at c.1356-19; the reference has five copies in a row; one copy, 2 bases duplicated.
Molecular consequence: intron variant.
Genome position (GRCh38, 1-based): chr2:24,838,632-24,838,633, AG duplicated on the plus strand (CT on the coding strand, the reverse complement: ADCY3 is on the minus strand); duplicating any 2 consecutive bases within chr2:24,838,632-24,838,641 gives the same sequence; the position shown is the placement nearest the transcript's 3' end. VCF-style (leftmost placement, unchanged base first): chr2-24838631-C-CAG. GRCh37 (hg19) VCF-style: chr2-25061500-C-CAG.
Other names: c.1356-19CT[6] (NM_001377130.1, NM_001377129.1, NM_001320613.2 and 1 more transcripts); c.1422-19CT[6] (NM_001377128.1); c.633-19CT[6] (NM_001377131.1).
Identifiers: ClinVar variation 3057943 (VCV003057943.2), dbSNP rs746309117, ClinGen allele CA916493598.

ClinVar aggregate classification (germline): Likely benign (0 of 4 stars; one submission).

Conditions:
ADCY3-related disorder. Also called: ADCY3-related condition.

Submission:

PreventionGenetics, part of Exact Sciences
Classification: Likely benign for ADCY3-related condition. Last evaluated: 2023-02-08. Review status: no assertion criteria provided. Collection method: clinical testing. Allele origin: germline.
Comment: This variant is classified as likely benign based on ACMG/AMP sequence variant interpretation guidelines (Richards et al. 2015 PMID: 25741868, with internal and published modifications).